The following is an entry in ClinVar:

ClinVar aggregate classification (germline): Likely pathogenic (1 of 4 stars; one submission).

Submission:

Labcorp Genetics (formerly Invitae), Labcorp
Classification: Likely pathogenic. Last evaluated: 2026-01-05. Review status: criteria provided, single submitter. Criteria: Invitae Variant Classification Sherloc (09022015). Collection method: clinical testing. Allele origin: germline.
Comment: This sequence change affects a donor splice site in intron 2 of the RETREG1 gene. It is expected to disrupt RNA splicing. Variants that disrupt the donor or acceptor splice site typically lead to a loss of protein function (PMID: 16199547), and loss-of-function variants in RETREG1 are known to be pathogenic (PMID: 19838196). This variant is not present in population databases (gnomAD no frequency). This variant has not been reported in the literature in individuals affected with RETREG1-related conditions. Algorithms developed to predict the effect of sequence changes on RNA splicing suggest that this variant may disrupt the consensus splice site. In summary, the currently available evidence indicates that the variant is pathogenic, but additional data are needed to prove that conclusively. Therefore, this variant has been classified as Likely Pathogenic.

Literature cited by the submitters: PubMed 16199547; PubMed 19838196.

NM_001034850.3(RETREG1):c.427+1G>C

Gene: RETREG1 (reticulophagy regulator 1; minus strand). Cytogenetic location: 5p15.1.
Variant type: single nucleotide variant.
Coding change: c.427+1G>C on transcript NM_001034850.3 (MANE Select); the canonical splice donor site of the intron after coding-DNA position 427, G replaced by C.
Molecular consequence: splice donor variant.
Genome position (GRCh38, 1-based): chr5:16,571,995, C>G on the plus strand (G>C on the coding strand, the complement: RETREG1 is on the minus strand). VCF-style: chr5-16571995-C-G. GRCh37 (hg19) VCF-style: chr5-16572104-C-G.
Identifiers: ClinVar variation 4691439 (VCV004691439.1).
Genomic context (GRCh38, chr5:16,571,995, plus strand): 5'-GATCAGAAATGCAGGGTCTAGAAAATTAAATACCATATAAATAAAATCTGAGTATTCTTA[C>G]CTCTTGTTCTAGACAAAACCATATCCTTTATTATTTGCATAATAACACGCCCAAGTATCA-3'